The following is an entry in ClinVar:

ClinVar aggregate classification (germline): Uncertain significance (1 of 4 stars; one submission).

Submission:

Women's Health and Genetics/Laboratory Corporation of America, LabCorp
Classification: Uncertain significance. Last evaluated: 2026-02-23. Review status: criteria provided, single submitter. Criteria: LabCorp Variant Classification Summary - May 2015. Collection method: clinical testing. Allele origin: germline.
Comment: Variant summary: PKD1 c.9131T>C (p.Leu3044Pro) results in a non-conservative amino acid change in the encoded protein sequence. Algorithms developed to predict the effect of missense changes on protein structure and function all suggest that this variant is likely to be disruptive. The frequency data for this variant in gnomAD is considered unreliable, as metrics indicate poor data quality at this position. To our knowledge, no occurrence of c.9131T>C in individuals affected with PKD1-related conditions and no experimental evidence demonstrating its impact on protein function have been reported. No submitters have cited clinical-significance assessments for this variant to ClinVar. Based on the evidence outlined above, the variant was classified as uncertain significance.

NM_001009944.3(PKD1):c.9131T>C (p.Leu3044Pro)

Gene: PKD1 (polycystin 1, transient receptor potential channel interacting; minus strand). Cytogenetic location: 16p13.3.
Variant type: single nucleotide variant.
Coding change: c.9131T>C on transcript NM_001009944.3 (MANE Select); coding-DNA position 9131, T replaced by C.
Protein change: p.Leu3044Pro; replaces leucine 3044 with proline.
Molecular consequence: missense variant.
Genome position (GRCh38, 1-based): chr16:2,102,451, A>G on the plus strand (T>C on the coding strand, the complement: PKD1 is on the minus strand). VCF-style: chr16-2102451-A-G. GRCh37 (hg19) VCF-style: chr16-2152452-A-G.
Other names: c.9131T>C, p.Leu3044Pro (NM_000296.4); short protein forms L3044P.
Identifiers: ClinVar variation 4848174 (VCV004848174.1).
Genomic context (GRCh38, chr16:2,102,451, plus strand): 5'-AAGCGGACATGGCTTGGGGGCACGAAGAGGCTGGCGCCGAAGGCGGTGAGGTGGCGGGTG[A>G]GGCAGACGGCCTGGCGGGGCGAGGTCTCCTCCAGGGGCAGCAGCCCCTCTGTCCGCCACA-3'
Protein context (NP_001009944.3, residues 3034-3054): EETSPRQAVC[Leu3044Pro]TRHLTAFGAS